The following is an entry in ClinVar:

NM_004656.4(BAP1):c.1807G>T (p.Val603Phe)

Gene: BAP1 (BRCA1 associated deubiquitinase 1; minus strand). Cytogenetic location: 3p21.1.
Variant type: single nucleotide variant.
Coding change: c.1807G>T on transcript NM_004656.4 (MANE Select); coding-DNA position 1807, G replaced by T.
Protein change: p.Val603Phe; replaces valine 603 with phenylalanine.
Molecular consequence: missense variant.
Genome position (GRCh38, 1-based): chr3:52,403,221, C>A on the plus strand (G>T on the coding strand, the complement: BAP1 is on the minus strand). VCF-style: chr3-52403221-C-A. GRCh37 (hg19) VCF-style: chr3-52437237-C-A.
Other names: short protein forms V603F.
Identifiers: ClinVar variation 1525868 (VCV001525868.8), dbSNP rs1329653090, ClinGen allele CA353098673.
Genomic context (GRCh38, chr3:52,403,221, plus strand): 5'-TCAAGGGCTCGCCAGGCCTCACCATCCCCGTCTTCTCTCTGCTGTCCGTGGCTTCCACGA[C>A]CTCCTTCTCCACTGGGCTGCTGGACCCCTGGCTGCCTTGGATTGGTCTGATGGAGGGCGA-3'
Protein context (NP_004647.1, residues 593-613): QGSSSPVEKE[Val603Phe]VEATDSREKT

ClinVar aggregate classification (germline): Uncertain significance (1 of 4 stars; one submission).

Conditions:
BAP1-related tumor predisposition syndrome (TPDS1). Also called: COMMON Syndrome; BAP1 tumor predisposition syndrome; Tumor susceptibility linked to germline BAP1 mutations; TUMOR PREDISPOSITION SYNDROME 1. Identifiers: Orphanet 289539, MedGen C3280492, MONDO:0013692, OMIM 614327.

Submission:

Labcorp Genetics (formerly Invitae), Labcorp
Classification: Uncertain significance for BAP1-related tumor predisposition syndrome. Last evaluated: 2023-09-05. Review status: criteria provided, single submitter. Criteria: Invitae Variant Classification Sherloc (09022015). Collection method: clinical testing. Allele origin: germline.
Comment: This sequence change replaces valine, which is neutral and non-polar, with phenylalanine, which is neutral and non-polar, at codon 603 of the BAP1 protein (p.Val603Phe). This variant is not present in population databases (gnomAD no frequency). This variant has not been reported in the literature in individuals affected with BAP1-related conditions. ClinVar contains an entry for this variant (Variation ID: 1525868). Advanced modeling of protein sequence and biophysical properties (such as structural, functional, and spatial information, amino acid conservation, physicochemical variation, residue mobility, and thermodynamic stability) performed at Invitae indicates that this missense variant is not expected to disrupt BAP1 protein function. In summary, the available evidence is currently insufficient to determine the role of this variant in disease. Therefore, it has been classified as a Variant of Uncertain Significance.